The following is an entry in ClinVar:

ClinVar aggregate classification (germline): Uncertain significance (1 of 4 stars; one submission).

Conditions:
Congenital myasthenic syndrome 10. Also called: Myasthenia, limb-girdle, familial. Identifiers: Orphanet 590, MedGen C1850792, MONDO:0009690, OMIM 254300.
Fetal akinesia deformation sequence 1 (FADS1). Also called: Fetal akinesia sequence; Pena-Shokeir syndrome type I. Identifiers: Orphanet 994, MedGen C1276035, MONDO:0100101, OMIM 208150, HP:0001989.

Submission:

Labcorp Genetics (formerly Invitae), Labcorp
Classification: Uncertain significance for Congenital myasthenic syndrome 10; Fetal akinesia deformation sequence 1. Last evaluated: 2018-06-14. Review status: criteria provided, single submitter. Criteria: Invitae Variant Classification Sherloc (09022015). Collection method: clinical testing. Allele origin: germline.
Comment: This variant has not been reported in the literature in individuals with DOK7-related disease. This variant is not present in population databases (ExAC no frequency). This sequence change replaces lysine with asparagine at codon 499 of the DOK7 protein (p.Lys499Asn). The lysine residue is moderately conserved and there is a moderate physicochemical difference between lysine and asparagine. Algorithms developed to predict the effect of missense changes on protein structure and function are either unavailable or do not agree on the potential impact of this missense change (SIFT: "Deleterious"; PolyPhen-2: "Probably Damaging"; Align-GVGD: "Class C0"). In summary, the available evidence is currently insufficient to determine the role of this variant in disease. Therefore, it has been classified as a Variant of Uncertain Significance.

NM_173660.5(DOK7):c.1497G>T (p.Lys499Asn)

Gene: DOK7 (docking protein 7; plus strand). Cytogenetic location: 4p16.3.
Variant type: single nucleotide variant.
Coding change: c.1497G>T on transcript NM_173660.5 (MANE Select); coding-DNA position 1497, G replaced by T.
Protein change: p.Lys499Asn; replaces lysine 499 with asparagine.
Molecular consequence: missense variant. On other transcripts: 3 prime UTR variant (1).
Genome position (GRCh38, 1-based): chr4:3,493,483, G>T. VCF-style: chr4-3493483-G-T. GRCh37 (hg19) VCF-style: chr4-3495210-G-T.
Other names: c.*718G>T (NM_001164673.2); c.567G>T, p.Lys189Asn (NM_001256896.2); c.1497G>T, p.Lys499Asn (NM_001301071.2); c.1065G>T, p.Lys355Asn (NM_001363811.2); short protein forms K499N, K189N, K355N.
Identifiers: ClinVar variation 572238 (VCV000572238.9), dbSNP rs1560234858, ClinGen allele CA356118067.